The following is an entry in ClinVar:

NM_022773.4(LMF1):c.220C>G (p.Gln74Glu)

Gene: LMF1 (lipase maturation factor 1; minus strand). Cytogenetic location: 16p13.3.
Variant type: single nucleotide variant.
Coding change: c.220C>G on transcript NM_022773.4 (MANE Select); coding-DNA position 220, C replaced by G.
Protein change: p.Gln74Glu; replaces glutamine 74 with glutamic acid.
Molecular consequence: missense variant. On other transcripts: 5 prime UTR variant (4), non-coding transcript variant (1).
Genome position (GRCh38, 1-based): chr16:954,640, G>C on the plus strand (C>G on the coding strand, the complement: LMF1 is on the minus strand). VCF-style: chr16-954640-G-C. GRCh37 (hg19) VCF-style: chr16-1004640-G-C.
Other names: c.-584C>G (NM_001352017.2); c.-335C>G (NM_001352018.2); c.-108C>G (NM_001352019.2); c.220C>G, p.Gln74Glu (NM_001352020.1); c.-486C>G (NM_001352021.2); short protein forms Q74E.
Identifiers: ClinVar variation 1787739 (VCV001787739.3), dbSNP rs2548398920, ClinGen allele CA394106572.

ClinVar aggregate classification (germline): Uncertain significance (1 of 4 stars; one submission).

Conditions:
Cardiovascular phenotype. Identifiers: MedGen CN230736.

Allele frequency attached by ClinVar (database versions not stated): gnomAD exomes 0.00001.
gnomAD v4.1: 9 of 1,601,518 alleles (0.00056%); highest among the groups gnomAD compares: Non-Finnish European, 0.00077%; no homozygotes.

Submission:

Ambry Genetics
Classification: Uncertain significance for Cardiovascular phenotype. Last evaluated: 2025-02-27. Review status: criteria provided, single submitter. Criteria: Ambry Variant Classification Scheme 2023. Collection method: clinical testing. Allele origin: germline.
Comment: The p.Q74E variant (also known as c.220C>G), located in coding exon 2 of the LMF1 gene, results from a C to G substitution at nucleotide position 220. The glutamine at codon 74 is replaced by glutamic acid, an amino acid with highly similar properties. This amino acid position is conserved. In addition, this alteration is predicted to be deleterious by in silico analysis. Since supporting evidence is limited at this time, the clinical significance of this alteration remains unclear.